The following is an entry in ClinVar:

ClinVar aggregate classification (germline): Likely benign (1 of 4 stars; one submission).

Allele frequency attached by ClinVar (database versions not stated): 1000 Genomes Project 0.00060; 1000 Genomes Project 30x 0.00062; gnomAD 0.00189; ExAC 0.00201; ESP Exome Variant Server 0.00223; TOPMed 0.00228; gnomAD exomes 0.00284.
gnomAD v4.1: 4,477 of 1,613,442 alleles (0.28%); highest among the groups gnomAD compares: Middle Eastern, 0.36%; 8 homozygotes.

Submission:

CeGaT Center for Human Genetics Tuebingen
Classification: Likely benign. Last evaluated: 2025-07-01. Review status: criteria provided, single submitter. Criteria: CeGaT Center For Human Genetics Tuebingen Variant Classification Criteria Version 2. Collection method: clinical testing. Allele origin: germline. Affected: yes. Observed: 3 variant alleles.
Comment: TACC2: BP4

NM_206862.4(TACC2):c.3134C>T (p.Pro1045Leu)

Gene: TACC2 (transforming acidic coiled-coil containing protein 2; plus strand). Cytogenetic location: 10q26.13.
Variant type: single nucleotide variant.
Coding change: c.3134C>T on transcript NM_206862.4 (MANE Select); coding-DNA position 3134, C replaced by T.
Protein change: p.Pro1045Leu; replaces proline 1045 with leucine.
Molecular consequence: missense variant. On other transcripts: intron variant (1).
Genome position (GRCh38, 1-based): chr10:122,085,634, C>T. VCF-style: chr10-122085634-C-T. GRCh37 (hg19) VCF-style: chr10-123845149-C-T.
Other names: c.3134C>T, p.Pro1045Leu (NM_001291876.2, NM_001291877.2); c.146+35084C>T (NM_206861.3); short protein forms P1045L.
Identifiers: ClinVar variation 3025023 (VCV003025023.22), dbSNP rs143377886, ClinGen allele CA5722867.